The following is an entry in ClinVar:

NM_000540.3(RYR1):c.13519G>A (p.Glu4507Lys)

Gene: RYR1 (ryanodine receptor 1; plus strand). Cytogenetic location: 19q13.2.
Variant type: single nucleotide variant.
Coding change: c.13519G>A on transcript NM_000540.3 (MANE Select); coding-DNA position 13519, G replaced by A.
Protein change: p.Glu4507Lys; replaces glutamic acid 4507 with lysine.
Molecular consequence: missense variant.
Genome position (GRCh38, 1-based): chr19:38,567,777, G>A. VCF-style: chr19-38567777-G-A. GRCh37 (hg19) VCF-style: chr19-39058417-G-A.
Other names: c.13504G>A, p.Glu4502Lys (NM_001042723.2); short protein forms E4507K, E4502K.
Identifiers: ClinVar variation 426352 (VCV000426352.13), dbSNP rs978180266, ClinGen allele CA308111280.
Genomic context (GRCh38, chr19:38,567,777, plus strand): 5'-AACTCATGCATTGCCTGCCCAGGCACCTCCTGACCTCTCTCTGTCCTGCCCTGCAGTGCC[G>A]AGAATGGGGAGAAGGAAGAAGTTCCCGAGCCCACACCAGAGCCCCCCAAGAAGCAAGCAC-3'
Protein context (NP_000531.2, residues 4497-4517): PELEPEKADA[Glu4507Lys]NGEKEEVPEP

ClinVar aggregate classification (germline): Uncertain significance. Review status: criteria provided, multiple submitters, no conflicts (2 of 4 stars). 5 submissions from 5 submitters: Uncertain significance (5). Last evaluated 2025-08-24.

Conditions:
RYR1-related disorder. Also called: RYR1-related disorders; RYR1-related condition. Identifiers: MedGen CN239331.
Malignant hyperthermia, susceptibility to, 1 (MHS1). Also called: Anesthesia related hyperthermia; Malignant hyperpyrexia; Fulminating hyperpyrexia; Pharmacogenic myopathy; RYR1-Related Malignant Hyperthermia Susceptibility; Malignant hyperthermia suceptibility 1. Identifiers: Orphanet 423, MedGen C2930980, MONDO:0007783, OMIM 145600.

Allele frequency attached by ClinVar (database versions not stated): gnomAD exomes 0.00001 and 0.00002; TOPMed 0.00001.
gnomAD v4.1: 24 of 1,614,138 alleles (0.0015%); highest among the groups gnomAD compares: East Asian, 0.0022%; no homozygotes.

Submissions (5):

Color Diagnostics, LLC DBA Color Health
Classification: Uncertain significance for Malignant hyperthermia, susceptibility to, 1. Last evaluated: 2025-08-24. Review status: criteria provided, single submitter. Criteria: ACMG Guidelines, 2015. Collection method: clinical testing. Allele origin: germline.
Comment: This missense variant replaces glutamic acid with lysine at codon 4507 of the RYR1 protein. Computational prediction is inconclusive regarding the impact of this variant on protein structure and function. To our knowledge, functional studies have not been reported for this variant. This variant has not been reported in individuals affected with RYR1-related disorders in the literature. This variant has been identified in 3/248962 chromosomes in the general population by the Genome Aggregation Database (gnomAD). The available evidence is insufficient to determine the role of this variant in disease conclusively. Therefore, this variant is classified as a Variant of Uncertain Significance.

Labcorp Genetics (formerly Invitae), Labcorp
Classification: Uncertain significance for RYR1-related disorder. Last evaluated: 2024-07-24. Review status: criteria provided, single submitter. Criteria: Invitae Variant Classification Sherloc (09022015). Collection method: clinical testing. Allele origin: germline.
Comment: This sequence change replaces glutamic acid, which is acidic and polar, with lysine, which is basic and polar, at codon 4507 of the RYR1 protein (p.Glu4507Lys). This variant is present in population databases (no rsID available, gnomAD 0.003%). This variant has not been reported in the literature in individuals affected with RYR1-related conditions. ClinVar contains an entry for this variant (Variation ID: 426352). Advanced modeling of protein sequence and biophysical properties (such as structural, functional, and spatial information, amino acid conservation, physicochemical variation, residue mobility, and thermodynamic stability) has been performed at Invitae for this missense variant, however the output from this modeling did not meet the statistical confidence thresholds required to predict the impact of this variant on RYR1 protein function. In summary, the available evidence is currently insufficient to determine the role of this variant in disease. Therefore, it has been classified as a Variant of Uncertain Significance.

Revvity Omics, Revvity
Classification: Uncertain significance. Last evaluated: 2023-05-15. Review status: criteria provided, single submitter. Criteria: ACMG Guidelines, 2015. Collection method: clinical testing. Allele origin: germline.

Blueprint Genetics
Classification: Uncertain significance. Last evaluated: 2022-11-08. Review status: criteria provided, single submitter. Criteria: ACMG Guidelines, 2015. Collection method: clinical testing. Allele origin: germline.

GeneDx
Classification: Uncertain significance. Last evaluated: 2017-04-19. Review status: criteria provided, single submitter. Criteria: GeneDx Variant Classification (06012015). Collection method: clinical testing. Allele origin: germline. Affected: yes.
Comment: The E4507K variant has not been published as a pathogenic variant, nor has it been reported as a benign variant to our knowledge. The E4507K variant is not observed in large population cohorts (Lek et al., 2016; 1000 Genomes Consortium et al., 2015; Exome Variant Server). This variant is a non-conservative amino acid substitution, which is likely to impact secondary protein structure as these residues differ in polarity, charge, size and/or other properties. This substitution occurs at a position that is conserved across species, and a missense variant in a nearby residue (E4502G) has been reported in the Human Gene Mutation Database in association with congenital myopathy (Stenson et al., 2014). In silico analysis predicts this variant is probably damaging to the protein structure/function.